The following is an entry in ClinVar:

NM_004336.5(BUB1):c.2449A>C (p.Lys817Gln)

Gene: BUB1 (BUB1 mitotic checkpoint serine/threonine kinase; minus strand). Cytogenetic location: 2q13.
Variant type: single nucleotide variant.
Coding change: c.2449A>C on transcript NM_004336.5 (MANE Select); coding-DNA position 2449, A replaced by C.
Protein change: p.Lys817Gln; replaces lysine 817 with glutamine.
Molecular consequence: missense variant.
Genome position (GRCh38, 1-based): chr2:110,642,133, T>G on the plus strand (A>C on the coding strand, the complement: BUB1 is on the minus strand). VCF-style: chr2-110642133-T-G. GRCh37 (hg19) VCF-style: chr2-111399710-T-G.
Other names: c.2389A>C, p.Lys797Gln (NM_001278616.2); c.2449A>C, p.Lys817Gln (NM_001278617.2); short protein forms K817Q, K797Q.
Identifiers: ClinVar variation 3483033 (VCV003483033.1).

ClinVar aggregate classification (germline): Uncertain significance (1 of 4 stars; one submission).

Submission:

Ambry Genetics
Classification: Uncertain significance. Last evaluated: 2024-08-04. Review status: criteria provided, single submitter. Criteria: Ambry Variant Classification Scheme 2023. Collection method: clinical testing. Allele origin: germline.
Comment: The p.K817Q variant (also known as c.2449A>C), located in coding exon 20 of the BUB1 gene, results from an A to C substitution at nucleotide position 2449. The lysine at codon 817 is replaced by glutamine, an amino acid with similar properties. This amino acid position is conserved. In addition, this alteration is predicted to be tolerated by in silico analysis. Based on the available evidence, the clinical significance of this variant remains unclear.